The following is an entry in ClinVar:

ClinVar aggregate classification (germline): Conflicting classifications of pathogenicity. Review status: criteria provided, conflicting classifications (1 of 4 stars). 4 submissions from 4 submitters: Likely pathogenic (2); Uncertain significance (2). Last evaluated 2026-02-26.

Conditions:
Inherited MMR deficiency (Lynch syndrome).
Hereditary nonpolyposis colorectal neoplasms. Identifiers: MedGen C0009405, MeSH D003123.
Hereditary cancer-predisposing syndrome. Also called: Hereditary Cancer Syndrome; Tumor predisposition; Hereditary neoplastic syndrome; Neoplastic Syndromes, Hereditary. Identifiers: Orphanet 140162, MedGen C0027672, MeSH D009386, MONDO:0015356.

Submissions (4):

NHS Central & South Genomic Laboratory Hub
Classification: Likely pathogenic for Inherited MMR deficiency (Lynch syndrome). Last evaluated: 2026-02-26. Review status: criteria provided, single submitter. Criteria: ACMG Guidelines, 2015. Collection method: clinical testing. Allele origin: germline. Affected: yes.

Genetics Laboratory, Great Ormond Street Hospital NHS Foundation Trust, North Thames Genomic Laboratory Hub
Classification: Likely pathogenic for Inherited MMR deficiency (Lynch syndrome). Last evaluated: 2025-11-13. Review status: criteria provided, single submitter. Criteria: CanVIG MMR Gene Specific V1.7. Collection method: clinical testing. Allele origin: germline. Affected: yes.
Comment: PM2_supporting, PP3_moderate, PP4_strong

Ambry Genetics
Classification: Uncertain significance for Hereditary cancer-predisposing syndrome. Last evaluated: 2023-08-19. Review status: criteria provided, single submitter. Criteria: Ambry Variant Classification Scheme 2023. Collection method: clinical testing. Allele origin: germline.
Comment: The p.C1129R variant (also known as c.3385T>C), located in coding exon 5 of the MSH6 gene, results from a T to C substitution at nucleotide position 3385. The cysteine at codon 1129 is replaced by arginine, an amino acid with highly dissimilar properties. This amino acid position is highly conserved in available vertebrate species. In addition, this alteration is predicted to be deleterious by in silico analysis. Since supporting evidence is limited at this time, the clinical significance of this alteration remains unclear.

Labcorp Genetics (formerly Invitae), Labcorp
Classification: Uncertain significance for Hereditary nonpolyposis colorectal neoplasms. Last evaluated: 2020-12-25. Review status: criteria provided, single submitter. Criteria: Invitae Variant Classification Sherloc (09022015). Collection method: clinical testing. Allele origin: germline.
Comment: In summary, the available evidence is currently insufficient to determine the role of this variant in disease. Therefore, it has been classified as a Variant of Uncertain Significance. Advanced modeling of protein sequence and biophysical properties (such as structural, functional, and spatial information, amino acid conservation, physicochemical variation, residue mobility, and thermodynamic stability) performed at Invitae indicates that this missense variant is expected to disrupt MSH6 protein function. This variant has not been reported in the literature in individuals with MSH6-related conditions. This variant is not present in population databases (ExAC no frequency). This sequence change replaces cysteine with arginine at codon 1129 of the MSH6 protein (p.Cys1129Arg). The cysteine residue is highly conserved and there is a large physicochemical difference between cysteine and arginine.

Literature cited by the submitters: PubMed 31997046 (cited by Ambry Genetics).

NM_000179.3(MSH6):c.3385T>C (p.Cys1129Arg)

Gene: MSH6 (mutS homolog 6; plus strand). Cytogenetic location: 2p16.3.
Variant type: single nucleotide variant.
Coding change: c.3385T>C on transcript NM_000179.3 (MANE Select); coding-DNA position 3385, T replaced by C.
Protein change: p.Cys1129Arg; replaces cysteine 1129 with arginine.
Molecular consequence: missense variant.
Genome position (GRCh38, 1-based): chr2:47,803,632, T>C. VCF-style: chr2-47803632-T-C. GRCh37 (hg19) VCF-style: chr2-48030771-T-C.
Other names: c.2995T>C, p.Cys999Arg (NM_001281492.2); c.2479T>C, p.Cys827Arg (NM_001281493.2, NM_001281494.2); short protein forms C999R, C1129R, C827R.
Identifiers: ClinVar variation 1043859 (VCV001043859.14), dbSNP rs1060502905, ClinGen allele CA346758833.
Genomic context (GRCh38, chr2:47,803,632, plus strand): 5'-ATTCCTAATGACATTCTAATAGGCTGTGAGGAAGAGGAGCAGGAAAATGGCAAAGCCTAT[T>C]GTGTGCTTGTTACTGGACCAAATATGGGGGGCAAGTCTACGCTTATGAGACAGGTAACTG-3'
Protein context (NP_000170.1, residues 1119-1139): EEEQENGKAY[Cys1129Arg]VLVTGPNMGG